The following is an entry in ClinVar:

ClinVar aggregate classification (germline): Uncertain significance (1 of 4 stars; one submission).

gnomAD v4.1: 4 of 1,613,972 alleles (0.00025%); highest among the groups gnomAD compares: Non-Finnish European, 0.00034%; no homozygotes.

Submission:

Labcorp Genetics (formerly Invitae), Labcorp
Classification: Uncertain significance. Last evaluated: 2023-05-15. Review status: criteria provided, single submitter. Criteria: Invitae Variant Classification Sherloc (09022015). Collection method: clinical testing. Allele origin: germline.
Comment: This sequence change replaces alanine, which is neutral and non-polar, with threonine, which is neutral and polar, at codon 793 of the COL4A4 protein (p.Ala793Thr). This variant is not present in population databases (gnomAD no frequency). In summary, the available evidence is currently insufficient to determine the role of this variant in disease. Therefore, it has been classified as a Variant of Uncertain Significance. Advanced modeling of protein sequence and biophysical properties (such as structural, functional, and spatial information, amino acid conservation, physicochemical variation, residue mobility, and thermodynamic stability) performed at Invitae indicates that this missense variant is not expected to disrupt COL4A4 protein function. ClinVar contains an entry for this variant (Variation ID: 1961413). This variant has not been reported in the literature in individuals affected with COL4A4-related conditions.

NM_000092.5(COL4A4):c.2377G>A (p.Ala793Thr)

Gene: COL4A4 (collagen type IV alpha 4 chain; minus strand). Cytogenetic location: 2q36.3.
Variant type: single nucleotide variant.
Coding change: c.2377G>A on transcript NM_000092.5 (MANE Select); coding-DNA position 2377, G replaced by A.
Protein change: p.Ala793Thr; replaces alanine 793 with threonine.
Molecular consequence: missense variant.
Genome position (GRCh38, 1-based): chr2:227,059,411, C>T on the plus strand (G>A on the coding strand, the complement: COL4A4 is on the minus strand). VCF-style: chr2-227059411-C-T. GRCh37 (hg19) VCF-style: chr2-227924127-C-T.
Other names: short protein forms A793T.
Identifiers: ClinVar variation 1961413 (VCV001961413.5), dbSNP rs2474216059, ClinGen allele CA350841815.